The following is an entry in ClinVar:

NM_000255.4(MMUT):c.2098del (p.Met700fs)

Gene: MMUT (methylmalonyl-CoA mutase; minus strand). Cytogenetic location: 6p12.3.
Variant type: Deletion.
Coding change: c.2098del on transcript NM_000255.4 (MANE Select); coding-DNA position 2098, one base deleted (A; older notation c.2098delA).
Protein change: p.Met700fs; shifts the reading frame from methionine 700.
Molecular consequence: frameshift variant.
Genome position (GRCh38, 1-based): chr6:49,435,482, T deleted on the plus strand (A on the coding strand, the reverse complement: MMUT is on the minus strand). VCF-style (leftmost placement, unchanged base first): chr6-49435481-AT-A. GRCh37 (hg19) VCF-style: chr6-49403194-AT-A.
Other names: short protein forms M700fs.
Identifiers: ClinVar variation 1350287 (VCV001350287.6), dbSNP rs2127413347, ClinGen allele CA2573140869.

ClinVar aggregate classification (germline): Pathogenic (1 of 4 stars; one submission).

Submission:

Labcorp Genetics (formerly Invitae), Labcorp
Classification: Pathogenic. Last evaluated: 2021-09-15. Review status: criteria provided, single submitter. Criteria: Invitae Variant Classification Sherloc (09022015). Collection method: clinical testing. Allele origin: germline.
Comment: For these reasons, this variant has been classified as Pathogenic. This variant disrupts a region of the MUT protein in which other variant(s) (p.Arg727*) have been determined to be pathogenic (PMID: 16281286, 17075691, 17445044, 22727635, 26454439, 27489777). This suggests that this is a clinically significant region of the protein, and that variants that disrupt it are likely to be disease-causing. This variant has not been reported in the literature in individuals affected with MUT-related conditions. This variant is not present in population databases (ExAC no frequency). This sequence change creates a premature translational stop signal (p.Met700Cysfs*5) in the MUT gene. While this is not anticipated to result in nonsense mediated decay, it is expected to disrupt the last 51 amino acid(s) of the MUT protein.

Literature cited by the submitters: PubMed 16281286; PubMed 17075691; PubMed 17445044; PubMed 22727635; PubMed 26454439; PubMed 27489777.